The following is an entry in ClinVar:

NM_001184880.2(PCDH19):c.1250A>T (p.Asp417Val)

Gene: PCDH19 (protocadherin 19; minus strand). Cytogenetic location: Xq22.1.
Variant type: single nucleotide variant.
Coding change: c.1250A>T on transcript NM_001184880.2 (MANE Select); coding-DNA position 1250, A replaced by T.
Protein change: p.Asp417Val; replaces aspartic acid 417 with valine.
Molecular consequence: missense variant.
Genome position (GRCh38, 1-based): chrX:100,407,348, T>A on the plus strand (A>T on the coding strand, the complement: PCDH19 is on the minus strand). VCF-style: chrX-100407348-T-A. GRCh37 (hg19) VCF-style: chrX-99662346-T-A.
Other names: c.1250A>T, p.Asp417Val (NM_001105243.2, NM_020766.3); short protein forms D417V.
Identifiers: ClinVar variation 1477700 (VCV001477700.8), dbSNP rs2147539257, ClinGen allele CA414003432.
Genomic context (GRCh38, chrX:100,407,348, plus strand): 5'-TTGGCACTCTGCAGCATGGGCACGCCGCCGTCGCGTGCCTGAATTGTGAGGTTGTATTGG[T>A]CGTGCTGCTCGCGGTCCAGCCGTCCGTCCACCAGAATAGTGGAGAAGCTCTCATATTCCT-3'
Protein context (NP_001171809.1, residues 407-427): VDGRLDREQH[Asp417Val]QYNLTIQARD

ClinVar aggregate classification (germline): Uncertain significance (1 of 4 stars; one submission).

Conditions:
Developmental and epileptic encephalopathy, 9 (DEE9). Also called: Early infantile epileptic encephalopathy 9; PCDH19-Related X-Linked Female-Limited Epilepsy with Mental Retardation; EPILEPSY, FEMALE-RESTRICTED, WITH MENTAL RETARDATION; JUBERG-HELLMAN SYNDROME. Identifiers: Orphanet 101039, Orphanet 2076, MedGen C1848137, MONDO:0010246, OMIM 300088. Disease mechanism: loss of function.

Submission:

Labcorp Genetics (formerly Invitae), Labcorp
Classification: Uncertain significance for Developmental and epileptic encephalopathy, 9. Last evaluated: 2020-10-24. Review status: criteria provided, single submitter. Criteria: Invitae Variant Classification Sherloc (09022015). Collection method: clinical testing. Allele origin: germline.
Comment: In summary, the available evidence is currently insufficient to determine the role of this variant in disease. Therefore, it has been classified as a Variant of Uncertain Significance. Algorithms developed to predict the effect of missense changes on protein structure and function (SIFT, PolyPhen-2, Align-GVGD) all suggest that this variant is likely to be disruptive, but these predictions have not been confirmed by published functional studies and their clinical significance is uncertain. This variant has not been reported in the literature in individuals with PCDH19-related conditions. This variant is not present in population databases (ExAC no frequency). This sequence change replaces aspartic acid with valine at codon 417 of the PCDH19 protein (p.Asp417Val). The aspartic acid residue is highly conserved and there is a large physicochemical difference between aspartic acid and valine.